The following is an entry in ClinVar:

ClinVar aggregate classification (germline): Conflicting classifications of pathogenicity. Review status: criteria provided, conflicting classifications (1 of 4 stars). 7 submissions from 7 submitters: Likely pathogenic (6); Uncertain significance (1). Last evaluated 2026-05-22.

Conditions:
Congenital myotonia, autosomal recessive form. Also called: BECKER DISEASE; Becker Generalized Myotonia; myotonia congenita, autosomal recessive. Identifiers: MONDO:0009715, OMIM 255700, Orphanet 614, MedGen C0751360.
Congenital myotonia, autosomal dominant form (THD). Also called: Myotonia congenita autosomal dominant; THOMSEN DISEASE. Identifiers: Orphanet 614, MedGen C2936781, MONDO:0008055, OMIM 160800.
CLCN1-related disorder. Also called: CLCN1-related condition.

Allele frequency attached by ClinVar (database versions not stated): gnomAD exomes below 0.00001; TOPMed below 0.00001; gnomAD 0.00001.
gnomAD v4.1: 6 of 1,601,362 alleles (0.00037%); highest among the groups gnomAD compares: Non-Finnish European, 0.00051%; no homozygotes.

Submissions (7):

GeneDx
Classification: Likely pathogenic. Last evaluated: 2026-05-22. Review status: criteria provided, single submitter. Criteria: GeneDx Variant Classification Process June 2021. Collection method: clinical testing. Allele origin: germline.
Comment: Alters the last nucleotide of the exon and is predicted to destroy the splice donor site and result in aberrant splicing, although in the absence of functional evidence the actual effect of this sequence change is unknown; Not observed at significant frequency in large population cohorts (gnomAD); This variant is associated with the following publications: (PMID: 18337100, 17576681, 9536098)

Fulgent Genetics
Classification: Likely pathogenic for Congenital myotonia, autosomal dominant form; Congenital myotonia, autosomal recessive form. Last evaluated: 2024-01-15. Review status: criteria provided, single submitter. Criteria: ACMG Guidelines, 2015. Collection method: clinical testing. Allele origin: germline.

Labcorp Genetics (formerly Invitae), Labcorp
Classification: Uncertain significance for Congenital myotonia, autosomal recessive form; Congenital myotonia, autosomal dominant form. Last evaluated: 2022-08-09. Review status: criteria provided, single submitter. Criteria: Invitae Variant Classification Sherloc (09022015). Collection method: clinical testing. Allele origin: germline.
Comment: This sequence change affects codon 355 of the CLCN1 mRNA. It is a 'silent' change, meaning that it does not change the encoded amino acid sequence of the CLCN1 protein. This variant also falls at the last nucleotide of exon 9, which is part of the consensus splice site for this exon. This variant is present in population databases (no rsID available, gnomAD 0.007%). This variant has been observed in individual(s) with autosomal recessive myotonia congenita (PMID: 18337100). ClinVar contains an entry for this variant (Variation ID: 585677). Algorithms developed to predict the effect of missense changes on protein structure and function (SIFT, PolyPhen-2, Align-GVGD) all suggest that this variant is likely to be disruptive. Variants that disrupt the consensus splice site are a relatively common cause of aberrant splicing (PMID: 17576681, 9536098). Algorithms developed to predict the effect of sequence changes on RNA splicing suggest that this variant may disrupt the consensus splice site. In summary, the available evidence is currently insufficient to determine the role of this variant in disease. Therefore, it has been classified as a Variant of Uncertain Significance.

MGZ Medical Genetics Center
Classification: Likely pathogenic for Congenital myotonia, autosomal recessive form. Last evaluated: 2021-10-22. Review status: criteria provided, single submitter. Criteria: ACMG Guidelines, 2015. Collection method: clinical testing. Allele origin: germline. Affected: yes. Observed: 1 variant allele.
Comment: ACMG criteria applied: PM3, PM5, PM2_SUP, PP3

Revvity Omics, Revvity
Classification: Likely pathogenic. Last evaluated: 2021-03-22. Review status: criteria provided, single submitter. Criteria: ACMG Guidelines, 2015. Collection method: clinical testing. Allele origin: germline.

Blueprint Genetics
Classification: Likely pathogenic for CLCN1-related disorders. Last evaluated: 2020-12-11. Review status: criteria provided, single submitter. Criteria: ACMG Guidelines, 2015. Collection method: clinical testing. Allele origin: germline. Affected: yes. Observed: 2 variant alleles.

Athena Diagnostics
Classification: Likely pathogenic. Last evaluated: 2017-12-19. Review status: criteria provided, single submitter. Criteria: Athena Diagnostics Criteria. Collection method: clinical testing. Allele origin: germline.

Literature cited by the submitters: PubMed 18337100 (cited by Labcorp Genetics (formerly Invitae), Labcorp and Athena Diagnostics); PubMed 17576681 (cited by Labcorp Genetics (formerly Invitae), Labcorp); PubMed 9536098 (cited by Labcorp Genetics (formerly Invitae), Labcorp).

NM_000083.3(CLCN1):c.1064G>A (p.Gly355Glu)

Gene: CLCN1 (chloride voltage-gated channel 1; plus strand). Cytogenetic location: 7q34.
Variant type: single nucleotide variant.
Coding change: c.1064G>A on transcript NM_000083.3 (MANE Select); coding-DNA position 1064, G replaced by A.
Protein change: p.Gly355Glu; replaces glycine 355 with glutamic acid.
Molecular consequence: missense variant. On other transcripts: non-coding transcript variant (1).
Genome position (GRCh38, 1-based): chr7:143,331,316, G>A. VCF-style: chr7-143331316-G-A. GRCh37 (hg19) VCF-style: chr7-143028409-G-A.
Other names: short protein forms G355E.
Identifiers: ClinVar variation 585677 (VCV000585677.14), dbSNP rs1282349760, ClinGen allele CA369641943.